The following is an entry in ClinVar:

ClinVar aggregate classification (germline): Uncertain significance (1 of 4 stars; one submission).

Submission:

Women's Health and Genetics/Laboratory Corporation of America, LabCorp
Classification: Uncertain significance. Last evaluated: 2025-05-02. Review status: criteria provided, single submitter. Criteria: LabCorp Variant Classification Summary - May 2015. Collection method: clinical testing. Allele origin: germline.
Comment: Variant summary: BRCA2 c.470A>T (p.Lys157Met) results in a non-conservative amino acid change in the encoded protein sequence. Algorithms developed to predict the effect of missense changes on protein structure and function are either unavailable or do not agree on the potential impact of this missense change. The variant was absent in 251020 control chromosomes. The available data on variant occurrences in the general population are insufficient to allow any conclusion about variant significance. To our knowledge, no occurrence of c.470A>T in individuals affected with Hereditary Breast And Ovarian Cancer Syndrome and no experimental evidence demonstrating its impact on protein function have been reported. No submitters have cited clinical-significance assessments for this variant to ClinVar. Based on the evidence outlined above, the variant was classified as uncertain significance.

NM_000059.4(BRCA2):c.470A>T (p.Lys157Met)

Gene: BRCA2 (BRCA2 DNA repair associated; plus strand). Cytogenetic location: 13q13.1.
Variant type: single nucleotide variant.
Coding change: c.470A>T on transcript NM_000059.4 (MANE Select); coding-DNA position 470, A replaced by T.
Protein change: p.Lys157Met; replaces lysine 157 with methionine.
Molecular consequence: missense variant. On other transcripts: non-coding transcript variant (1).
Genome position (GRCh38, 1-based): chr13:32,326,145, A>T. VCF-style: chr13-32326145-A-T. GRCh37 (hg19) VCF-style: chr13-32900282-A-T.
Other names: c.470A>T, p.Lys157Met (NM_001406719.1, NM_001406720.1, NM_001406721.1 and 1 more transcripts); c.101A>T, p.Lys34Met (NM_001406722.1); short protein forms K157M, K34M.
Identifiers: ClinVar variation 3902580 (VCV003902580.1).